The following is an entry in ClinVar:

ClinVar aggregate classification (germline): Likely benign (1 of 4 stars; one submission).

Submission:

CeGaT Center for Human Genetics Tuebingen
Classification: Likely benign. Last evaluated: 2024-06-01. Review status: criteria provided, single submitter. Criteria: CeGaT Center For Human Genetics Tuebingen Variant Classification Criteria Version 2. Collection method: clinical testing. Allele origin: germline. Affected: yes. Observed: 1 variant allele.
Comment: TTN: PM2:Supporting, BP4, BP7

NM_001267550.2(TTN):c.30792T>C (p.Ile10264=)

Gene: TTN (titin; minus strand). Cytogenetic location: 2q31.2.
Variant type: single nucleotide variant.
Coding change: c.30792T>C on transcript NM_001267550.2 (MANE Select); coding-DNA position 30792, T replaced by C.
Protein change: p.Ile10264=; no amino-acid change (isoleucine 10264 retained).
Molecular consequence: synonymous variant. On other transcripts: intron variant (3).
Genome position (GRCh38, 1-based): chr2:178,697,131, A>G on the plus strand (T>C on the coding strand, the complement: TTN is on the minus strand). VCF-style: chr2-178697131-A-G. GRCh37 (hg19) VCF-style: chr2-179561858-A-G.
Other names: c.29841T>C, p.Ile9947= (NM_001256850.1); c.27060T>C, p.Ile9020= (NM_133378.4); c.13282+40951T>C (NM_003319.4); c.13858+40951T>C (NM_133437.4); c.13657+40951T>C (NM_133432.3).
Identifiers: ClinVar variation 3251145 (VCV003251145.18), dbSNP rs2474759513.